The following is an entry in ClinVar:

ClinVar aggregate classification (germline): Benign. Review status: criteria provided, multiple submitters, no conflicts (2 of 4 stars). 8 submissions from 6 submitters: Benign (8). Last evaluated 2026-01-31.

Conditions:
Insulin-resistant diabetes mellitus AND acanthosis nigricans. Also called: type A insulin resistance; DIABETES MELLITUS, INSULIN-RESISTANT, WITH ACANTHOSIS NIGRICANS, TYPE A; INSULIN RECEPTOR, DEFECT IN, WITH INSULIN-RESISTANT DIABETES MELLITUS AND ACANTHOSIS NIGRICANS; IRAN, TYPE A; Insulin-resistance syndrome type A. Identifiers: Orphanet 2297, MedGen C0342278, MONDO:0012520, OMIM 610549.
Rabson-Mendenhall syndrome. Also called: Pineal Hyperplasia, Insulin-Resistant Diabetes Mellitus, and Somatic Abnormalities; MENDENHALL SYNDROME; Pineal hyperplasia AND diabetes mellitus syndrome. Identifiers: Orphanet 769, MedGen C0271695, MONDO:0009874, OMIM 262190.
Leprechaunism syndrome. Also called: LEPRECHAUNISM; Donohue syndrome. Identifiers: Orphanet 508, MedGen C0265344, MONDO:0009517, OMIM 246200.

Allele frequency attached by ClinVar (database versions not stated): gnomAD exomes 0.08695 and 0.09832; ExAC 0.10547; gnomAD 0.12510 and 0.12589; TOPMed 0.12979; ESP Exome Variant Server 0.13171; 1000 Genomes Project 0.15915; 1000 Genomes Project 30x 0.16771.
gnomAD v4.1: 145,723 of 1,602,380 alleles (9.1%); highest among the groups gnomAD compares: African/African-American, 24%; 9,322 homozygotes.

Submissions (8):

Labcorp Genetics (formerly Invitae), Labcorp
Classification: Benign. Last evaluated: 2026-01-31. Review status: criteria provided, single submitter. Criteria: Invitae Variant Classification Sherloc (09022015). Collection method: clinical testing. Allele origin: germline.

Blueprint Genetics
Classification: Benign. Last evaluated: 2024-11-28. Review status: criteria provided, single submitter. Criteria: ACMG Guidelines, 2015. Collection method: clinical testing. Allele origin: germline.

GeneDx
Classification: Benign. Last evaluated: 2021-06-09. Review status: criteria provided, single submitter. Criteria: GeneDx Variant Classification Process June 2021. Collection method: clinical testing. Allele origin: germline. Affected: yes.

ARUP Laboratories, Molecular Genetics and Genomics, ARUP Laboratories
Classification: Benign. Last evaluated: 2021-01-14. Review status: criteria provided, single submitter. Criteria: ARUP Molecular Germline Variant Investigation Process 2021. Collection method: clinical testing. Allele origin: germline.

Illumina Laboratory Services, Illumina
Classification: Benign for Leprechaunism syndrome. Last evaluated: 2018-01-12. Review status: criteria provided, single submitter. Criteria: ICSL Variant Classification Criteria 13 December 2019. Collection method: clinical testing. Allele origin: germline.
Comment: This variant was observed in the ICSL laboratory as part of a predisposition screen in an ostensibly healthy population. It had not been previously curated by ICSL or reported in the Human Gene Mutation Database (HGMD: prior to June 1st, 2018), and was therefore a candidate for classification through an automated scoring system. Utilizing variant allele frequency, disease prevalence and penetrance estimates, and inheritance mode, an automated score was calculated to assess if this variant is too frequent to cause the disease. Based on the score and internal cut-off values, a variant classified as benign is not then subjected to further curation. The score for this variant resulted in a classification of benign for this disease.

Illumina Laboratory Services, Illumina
Classification: Benign for Insulin-resistant diabetes mellitus AND acanthosis nigricans. Last evaluated: 2018-01-12. Review status: criteria provided, single submitter. Criteria: ICSL Variant Classification Criteria 13 December 2019. Collection method: clinical testing. Allele origin: germline.
Comment: the same text as in the submission from Illumina Laboratory Services, Illumina above.

Illumina Laboratory Services, Illumina
Classification: Benign for Rabson-Mendenhall syndrome. Last evaluated: 2018-01-12. Review status: criteria provided, single submitter. Criteria: ICSL Variant Classification Criteria 13 December 2019. Collection method: clinical testing. Allele origin: germline.
Comment: the same text as in the submission from Illumina Laboratory Services, Illumina above.

Breakthrough Genomics
Classification: Benign. Review status: criteria provided, single submitter. Criteria: ACMG Guidelines, 2015. Collection method: not provided. Allele origin: germline. Inheritance: Autosomal recessive inheritance. Affected: yes.

NM_000208.4(INSR):c.1862-4A>G

Gene: INSR (insulin receptor; minus strand). Cytogenetic location: 19p13.2.
Variant type: single nucleotide variant.
Coding change: c.1862-4A>G on transcript NM_000208.4 (MANE Select); 4 bases into the intron before coding-DNA position 1862, A replaced by G.
Molecular consequence: intron variant.
Genome position (GRCh38, 1-based): chr19:7,163,203, T>C on the plus strand (A>G on the coding strand, the complement: INSR is on the minus strand). VCF-style: chr19-7163203-T-C. GRCh37 (hg19) VCF-style: chr19-7163214-T-C.
Other names: c.1862-4A>G (NM_001079817.3).
Identifiers: ClinVar variation 330469 (VCV000330469.25), dbSNP rs2245649, ClinGen allele CA9135723.
Genomic context (GRCh38, chr19:7,163,203, plus strand): 5'-GAATAATCTGGGATGATGAGTTAGACACTGAGATTGGATCCAGGGGCACAGAGGGGTCTG[T>C]CAGGGAGAAAGGAAATGGGTCCATCATGAGAAACAGTGTGCAAAGAAAGCTGGTGGGAGG-3'